The following is an entry in ClinVar:

ClinVar aggregate classification (germline): Likely benign. Review status: criteria provided, multiple submitters, no conflicts (2 of 4 stars). 5 submissions from 5 submitters: Likely benign (5). Last evaluated 2026-01-13.

Conditions:
Cardiovascular phenotype. Identifiers: MedGen CN230736.
Hypertrophic cardiomyopathy. Also called: HYPERTROPHIC MYOCARDIOPATHY. Identifiers: Orphanet 217569, MedGen C0007194, MeSH D002312, MONDO:0005045, HP:0001639.
Cardiomyopathy (CMYO). Also called: Cardiomyopathies. Identifiers: Orphanet 167848, MedGen C0878544, MONDO:0004994, HP:0001638. Inheritance: Various modes of inheritance.

Allele frequency attached by ClinVar (database versions not stated): gnomAD exomes 0.00001; TOPMed 0.00003.

Submissions (5):

Labcorp Genetics (formerly Invitae), Labcorp
Classification: Likely benign for Hypertrophic cardiomyopathy. Last evaluated: 2026-01-13. Review status: criteria provided, single submitter. Criteria: Invitae Variant Classification Sherloc (09022015). Collection method: clinical testing. Allele origin: germline.

Ambry Genetics
Classification: Likely benign for Cardiovascular phenotype. Last evaluated: 2025-03-23. Review status: criteria provided, single submitter. Criteria: Ambry Variant Classification Scheme 2023. Collection method: clinical testing. Allele origin: germline.

All of Us Research Program, National Institutes of Health
Classification: Likely benign for Hypertrophic cardiomyopathy. Last evaluated: 2023-12-18. Review status: criteria provided, single submitter. Criteria: ACMG Guidelines, 2015. Collection method: clinical testing. Allele origin: germline. Inheritance: Autosomal dominant inheritance. Observed: 2 variant alleles, 2 heterozygotes.
Comment: This study involves interpretation of variants in research participants for the purpose of population health screening. Participant phenotype was not available at the time of variant classification. Additional details can be found in publication PMID: 35346344, PMCID: PMC8962531

Women's Health and Genetics/Laboratory Corporation of America, LabCorp
Classification: Likely benign. Last evaluated: 2019-08-29. Review status: criteria provided, single submitter. Criteria: LabCorp Variant Classification Summary - May 2015. Collection method: clinical testing. Allele origin: germline.

Color Diagnostics, LLC DBA Color Health
Classification: Likely benign for Cardiomyopathy. Last evaluated: 2018-07-10. Review status: criteria provided, single submitter. Criteria: ACMG Guidelines, 2015. Collection method: clinical testing. Allele origin: germline.

NM_000256.3(MYBPC3):c.1371G>A (p.Thr457=)

Gene: MYBPC3 (myosin binding protein C3; minus strand). Cytogenetic location: 11p11.2.
Variant type: single nucleotide variant.
Coding change: c.1371G>A on transcript NM_000256.3 (MANE Select); coding-DNA position 1371, G replaced by A.
Protein change: p.Thr457=; no amino-acid change (threonine 457 retained).
Molecular consequence: synonymous variant.
Genome position (GRCh38, 1-based): chr11:47,342,916, C>T on the plus strand (G>A on the coding strand, the complement: MYBPC3 is on the minus strand). VCF-style: chr11-47342916-C-T. GRCh37 (hg19) VCF-style: chr11-47364467-C-T.
Other names: c.1371G>A, p.Thr457= (LRG_386t1).
Identifiers: ClinVar variation 628843 (VCV000628843.16), dbSNP rs538072263, ClinGen allele CA221696424.